The following is an entry in ClinVar:

NM_000426.4(LAMA2):c.6867+4A>T

Gene: LAMA2 (laminin subunit alpha 2; plus strand). Cytogenetic location: 6q22.33.
Variant type: single nucleotide variant.
Coding change: c.6867+4A>T on transcript NM_000426.4 (MANE Select); 4 bases into the intron after coding-DNA position 6867, A replaced by T.
Molecular consequence: intron variant.
Genome position (GRCh38, 1-based): chr6:129,456,498, A>T. VCF-style: chr6-129456498-A-T. GRCh37 (hg19) VCF-style: chr6-129777643-A-T.
Other names: c.6867+4A>T (NM_001079823.2).
Identifiers: ClinVar variation 1375806 (VCV001375806.3), dbSNP rs774400289, ClinGen allele CA3994374.

ClinVar aggregate classification (germline): Uncertain significance (1 of 4 stars; one submission).

Conditions:
LAMA2-related muscular dystrophy (LAMA2-RD). Also called: Laminin alpha 2-related dystrophy. Identifiers: MedGen C5679788, MONDO:0100228.

Allele frequency attached by ClinVar (database versions not stated): gnomAD exomes below 0.00001 and 0.00001; gnomAD 0.00001; ExAC 0.00002; TOPMed 0.00003.
gnomAD v4.1: 3 of 1,611,614 alleles (0.00019%); highest among the groups gnomAD compares: African/African-American, 0.004%; no homozygotes.

Submission:

Labcorp Genetics (formerly Invitae), Labcorp
Classification: Uncertain significance for LAMA2-related muscular dystrophy. Last evaluated: 2022-07-25. Review status: criteria provided, single submitter. Criteria: Invitae Variant Classification Sherloc (09022015). Collection method: clinical testing. Allele origin: germline.
Comment: This sequence change falls in intron 48 of the LAMA2 gene. It does not directly change the encoded amino acid sequence of the LAMA2 protein. It affects a nucleotide within the consensus splice site. This variant is present in population databases (rs774400289, gnomAD 0.007%). This variant has not been reported in the literature in individuals affected with LAMA2-related conditions. ClinVar contains an entry for this variant (Variation ID: 1375806). Variants that disrupt the consensus splice site are a relatively common cause of aberrant splicing (PMID: 17576681, 9536098). Algorithms developed to predict the effect of sequence changes on RNA splicing suggest that this variant is not likely to affect RNA splicing. In summary, the available evidence is currently insufficient to determine the role of this variant in disease. Therefore, it has been classified as a Variant of Uncertain Significance.

Literature cited by the submitters: PubMed 17576681; PubMed 9536098.